The following is an entry in ClinVar:

ClinVar aggregate classification (germline): Likely benign. Review status: criteria provided, multiple submitters, no conflicts (2 of 4 stars). 6 submissions from 6 submitters: Likely benign (4). 2 of the submissions do not count toward it. Last evaluated 2026-01-24.

Conditions:
MCCC2-related disorder. Also called: MCCC2-related condition.
3-methylcrotonyl-CoA carboxylase 2 deficiency. Also called: METHYLCROTONYLGLYCINURIA, TYPE II; 3 alpha methylcrotonyl-CoA carboxylase 2 deficiency; 3 alpha methylcrotonylglycinuria 2; MCC 2 deficiency; Methylcrotonylglycinuria type 2. Identifiers: Orphanet 6, MedGen C1859499, MONDO:0008862, OMIM 210210.

Allele frequency attached by ClinVar (database versions not stated): gnomAD 0.00013 and 0.00014; TOPMed 0.00014; ExAC 0.00034.
gnomAD v4.1: 209 of 1,537,774 alleles (0.014%); highest among the groups gnomAD compares: Non-Finnish European, 0.017%; 2 homozygotes.

Submissions (6):

Labcorp Genetics (formerly Invitae), Labcorp
Classification: Likely benign for 3-methylcrotonyl-CoA carboxylase 2 deficiency. Last evaluated: 2026-01-24. Review status: criteria provided, single submitter. Criteria: Invitae Variant Classification Sherloc (09022015). Collection method: clinical testing. Allele origin: germline.

Blueprint Genetics
Classification: Likely benign. Last evaluated: 2024-11-21. Review status: criteria provided, single submitter. Criteria: ACMG Guidelines, 2015. Collection method: clinical testing. Allele origin: germline.

CeGaT Center for Human Genetics Tuebingen
Classification: Likely benign. Last evaluated: 2024-05-01. Review status: criteria provided, single submitter. Criteria: CeGaT Center For Human Genetics Tuebingen Variant Classification Criteria Version 2. Collection method: clinical testing. Allele origin: germline. Affected: yes. Observed: 1 variant allele.
Comment: MCCC2: BP4, BP7

Breakthrough Genomics
Classification: Likely benign. Review status: criteria provided, single submitter. Criteria: ACMG Guidelines, 2015. Collection method: not provided. Allele origin: germline. Inheritance: Autosomal recessive inheritance. Affected: yes.

Natera, Inc.
Classification: Uncertain significance for 3-methylcrotonyl-CoA carboxylase 2 deficiency. Last evaluated: 2020-01-24. Review status: no assertion criteria provided. Collection method: clinical testing. Allele origin: germline. Not counted in ClinVar's aggregate classification.

PreventionGenetics, part of Exact Sciences
Classification: Likely benign for MCCC2-related condition. Last evaluated: 2019-08-01. Review status: no assertion criteria provided. Collection method: clinical testing. Allele origin: germline. Not counted in ClinVar's aggregate classification.
Comment: This variant is classified as likely benign based on ACMG/AMP sequence variant interpretation guidelines (Richards et al. 2015 PMID: 25741868, with internal and published modifications).

NM_022132.5(MCCC2):c.114C>G (p.Gly38=)

Gene: MCCC2 (methylcrotonyl-CoA carboxylase subunit 2; plus strand). Cytogenetic location: 5q13.2.
Variant type: single nucleotide variant.
Coding change: c.114C>G on transcript NM_022132.5 (MANE Select); coding-DNA position 114, C replaced by G.
Protein change: p.Gly38=; no amino-acid change (glycine 38 retained).
Molecular consequence: synonymous variant.
Genome position (GRCh38, 1-based): chr5:71,587,539, C>G. VCF-style: chr5-71587539-C-G. GRCh37 (hg19) VCF-style: chr5-70883366-C-G.
Other names: c.114C>G, p.Gly38= (NM_001363147.1).
Identifiers: ClinVar variation 744310 (VCV000744310.33), dbSNP rs750638270, ClinGen allele CA3297661.